The following is an entry in ClinVar:

NM_000428.3(LTBP2):c.4041C>A (p.Asn1347Lys)

Gene: LTBP2 (latent transforming growth factor beta binding protein 2; minus strand). Cytogenetic location: 14q24.3.
Variant type: single nucleotide variant.
Coding change: c.4041C>A on transcript NM_000428.3 (MANE Select); coding-DNA position 4041, C replaced by A.
Protein change: p.Asn1347Lys; replaces asparagine 1347 with lysine.
Molecular consequence: missense variant.
Genome position (GRCh38, 1-based): chr14:74,506,184, G>T on the plus strand (C>A on the coding strand, the complement: LTBP2 is on the minus strand). VCF-style: chr14-74506184-G-T. GRCh37 (hg19) VCF-style: chr14-74972887-G-T.
Other names: short protein forms N1347K.
Identifiers: ClinVar variation 2815080 (VCV002815080.3), dbSNP rs772766355, ClinGen allele CA390386633.

ClinVar aggregate classification (germline): Uncertain significance (1 of 4 stars; one submission).

gnomAD v4.1: 1 of 1,614,142 alleles (0.000062%); highest among the groups gnomAD compares: Non-Finnish European, 0.000085%; no homozygotes.

Submission:

Labcorp Genetics (formerly Invitae), Labcorp
Classification: Uncertain significance. Last evaluated: 2022-11-18. Review status: criteria provided, single submitter. Criteria: Invitae Variant Classification Sherloc (09022015). Collection method: clinical testing. Allele origin: germline.
Comment: In summary, the available evidence is currently insufficient to determine the role of this variant in disease. Therefore, it has been classified as a Variant of Uncertain Significance. Algorithms developed to predict the effect of missense changes on protein structure and function are either unavailable or do not agree on the potential impact of this missense change (SIFT: "Tolerated"; PolyPhen-2: "Possibly Damaging"; Align-GVGD: "Class C0"). This variant has not been reported in the literature in individuals affected with LTBP2-related conditions. This variant is not present in population databases (gnomAD no frequency). This sequence change replaces asparagine, which is neutral and polar, with lysine, which is basic and polar, at codon 1347 of the LTBP2 protein (p.Asn1347Lys).